The following is an entry in ClinVar:

ClinVar aggregate classification (germline): Pathogenic. Review status: criteria provided, multiple submitters, no conflicts (2 of 4 stars). 2 submissions from 2 submitters: Pathogenic (2). Last evaluated 2023-05-01.

Conditions:
Familial adenomatous polyposis 1 (FAP1). Also called: FAMILIAL ADENOMATOUS POLYPOSIS 1, ATTENUATED; POLYPOSIS, ADENOMATOUS INTESTINAL. Identifiers: MedGen C2713442, MONDO:0021056, OMIM 175100. Disease mechanism: loss of function.

Submissions (2):

Myriad Genetics, Inc.
Classification: Pathogenic for Familial adenomatous polyposis 1. Last evaluated: 2023-05-01. Review status: criteria provided, single submitter. Criteria: Myriad Autosomal Dominant, Autosomal Recessive and X-Linked Classification Criteria (2023). Collection method: clinical testing. Allele origin: unknown.
Comment: This variant is considered pathogenic. This variant creates a frameshift predicted to result in premature protein truncation.

Labcorp Genetics (formerly Invitae), Labcorp
Classification: Pathogenic for Familial adenomatous polyposis 1. Last evaluated: 2018-11-08. Review status: criteria provided, single submitter. Criteria: Invitae Variant Classification Sherloc (09022015). Collection method: clinical testing. Allele origin: germline.
Comment: This sequence change creates a premature translational stop signal (p.Arg414Glnfs*3) in the APC gene. It is expected to result in an absent or disrupted protein product. This variant is not present in population databases (ExAC no frequency). This variant has not been reported in the literature in individuals with APC-related disease. Loss-of-function variants in APC are known to be pathogenic (PMID: 17963004, 20685668). For these reasons, this variant has been classified as Pathogenic.

Literature cited by the submitters: PubMed 17963004 (cited by Labcorp Genetics (formerly Invitae), Labcorp); PubMed 20685668 (cited by Labcorp Genetics (formerly Invitae), Labcorp).

NM_000038.6(APC):c.1241_1246delinsA (p.Arg414fs)

Gene: APC (APC regulator of Wnt signaling pathway; plus strand). Cytogenetic location: 5q22.2.
Variant type: Indel.
Coding change: c.1241_1246delinsA on transcript NM_000038.6 (MANE Select); coding-DNA positions 1241 to 1246, GCGCTT replaced by A.
Protein change: p.Arg414fs; shifts the reading frame from arginine 414.
Molecular consequence: frameshift variant.
Genome position (GRCh38, 1-based): chr5:112,819,273-112,819,278, GCGCTT replaced by A. VCF-style: chr5-112819273-GCGCTT-A. GRCh37 (hg19) VCF-style: chr5-112154970-GCGCTT-A.
Other names: c.1241_1246delinsA, p.Arg414fs (NM_001127510.3, NM_001354895.2, NM_001354896.2); c.1187_1192delinsA, p.Arg396fs (NM_001127511.3); c.1271_1276delinsA, p.Arg424fs (NM_001354897.2); c.1166_1171delinsA, p.Arg389fs (NM_001354898.2); c.1157_1162delinsA, p.Arg386fs (NM_001354899.2); c.1064_1069delinsA, p.Arg355fs (NM_001354900.2, NM_001354901.2); c.968_973delinsA, p.Arg323fs (NM_001354902.2); c.938_943delinsA, p.Arg313fs (NM_001354903.2); and 3 more; short protein forms R131fs, R323fs, R389fs, R414fs, R396fs, R313fs, R355fs, R424fs.
Identifiers: ClinVar variation 650783 (VCV000650783.7), dbSNP rs1580530928, ClinGen allele CA915942596.